The following is an entry in ClinVar:

ClinVar aggregate classification (germline): Uncertain significance (1 of 4 stars; one submission).

gnomAD v4.1: 4 of 1,012,173 alleles (0.0004%); highest among the groups gnomAD compares: African/African-American, 0.0077%; no homozygotes.

Submission:

Women's Health and Genetics/Laboratory Corporation of America, LabCorp
Classification: Uncertain significance. Last evaluated: 2026-05-14. Review status: criteria provided, single submitter. Criteria: LabCorp Variant Classification Summary - May 2015. Collection method: clinical testing. Allele origin: germline.
Comment: Variant summary: EDA c.554A>G (p.Asn185Ser) results in a conservative amino acid change in the encoded protein sequence. Algorithms developed to predict the effect of missense changes on protein structure and function are either unavailable or do not agree on the potential impact of this missense change. The variant allele was found at a frequency of 7.9e-06 in 126294 control chromosomes (gnomAD). The available data on variant occurrences in the general population are insufficient to allow any conclusion about variant significance. To our knowledge, no occurrence of c.554A>G in individuals affected with EDA-related conditions and no experimental evidence demonstrating its impact on protein function have been reported. No submitters have cited clinical-significance assessments for this variant to ClinVar. Based on the evidence outlined above, the variant was classified as uncertain significance.

NM_001399.5(EDA):c.554A>G (p.Asn185Ser)

Gene: EDA (ectodysplasin A; plus strand). Cytogenetic location: Xq13.1.
Variant type: single nucleotide variant.
Coding change: c.554A>G on transcript NM_001399.5 (MANE Select); coding-DNA position 554, A replaced by G.
Protein change: p.Asn185Ser; replaces asparagine 185 with serine.
Molecular consequence: missense variant.
Genome position (GRCh38, 1-based): chrX:70,027,884, A>G. VCF-style: chrX-70027884-A-G. GRCh37 (hg19) VCF-style: chrX-69247734-A-G.
Other names: c.554A>G, p.Asn185Ser (NM_001005609.2, NM_001005612.3, NM_001440761.1 and 1 more transcripts); short protein forms N185S.
Identifiers: ClinVar variation 4853068 (VCV004853068.1).